The following is an entry in ClinVar:

ClinVar aggregate classification (germline): Uncertain significance (1 of 4 stars; one submission).

Conditions:
Netherton syndrome (NETH). Also called: ERYTHRODERMA, ICHTHYOSIFORM, WITH HYPOTRICHOSIS AND HYPER-IgE; COMEL-NETHERTON SYNDROME; NETHERTON DISEASE. Identifiers: Orphanet 634, MedGen C5574950, MONDO:0009735, OMIM 256500.

Allele frequency attached by ClinVar (database versions not stated): ExAC 0.00001; gnomAD 0.00001; TOPMed 0.00001; gnomAD exomes 0.00002.
gnomAD v4.1: 16 of 1,600,346 alleles (0.001%); highest among the groups gnomAD compares: Non-Finnish European, 0.0012%; no homozygotes.

Submission:

Labcorp Genetics (formerly Invitae), Labcorp
Classification: Uncertain significance for Ichthyosis linearis circumflexa. Last evaluated: 2022-07-19. Review status: criteria provided, single submitter. Criteria: Invitae Variant Classification Sherloc (09022015). Collection method: clinical testing. Allele origin: germline.
Comment: This sequence change replaces arginine, which is basic and polar, with glutamine, which is neutral and polar, at codon 891 of the SPINK5 protein (p.Arg891Gln). The frequency data for this variant in the population databases is considered unreliable, as metrics indicate poor data quality at this position in the gnomAD database. This variant has not been reported in the literature in individuals affected with SPINK5-related conditions. ClinVar contains an entry for this variant (Variation ID: 962790). Algorithms developed to predict the effect of missense changes on protein structure and function output the following: SIFT: "Deleterious"; PolyPhen-2: "Benign"; Align-GVGD: "Class C0". The glutamine amino acid residue is found in multiple mammalian species, which suggests that this missense change does not adversely affect protein function. In summary, the available evidence is currently insufficient to determine the role of this variant in disease. Therefore, it has been classified as a Variant of Uncertain Significance.

NM_006846.4(SPINK5):c.2672G>A (p.Arg891Gln)

Gene: SPINK5 (serine peptidase inhibitor Kazal type 5; plus strand). Cytogenetic location: 5q32.
Variant type: single nucleotide variant.
Coding change: c.2672G>A on transcript NM_006846.4 (MANE Select); coding-DNA position 2672, G replaced by A.
Protein change: p.Arg891Gln; replaces arginine 891 with glutamine.
Molecular consequence: missense variant.
Genome position (GRCh38, 1-based): chr5:148,124,770, G>A. VCF-style: chr5-148124770-G-A. GRCh37 (hg19) VCF-style: chr5-147504333-G-A.
Other names: c.2672G>A, p.Arg891Gln (NM_001127698.2, NM_001127699.2); short protein forms R891Q.
Identifiers: ClinVar variation 962790 (VCV000962790.7), dbSNP rs771456490, ClinGen allele CA3496082.